The following is an entry in ClinVar:

NM_021098.3(CACNA1H):c.333G>A (p.Met111Ile)

Gene: CACNA1H (calcium voltage-gated channel subunit alpha1 H; plus strand). Cytogenetic location: 16p13.3.
Variant type: single nucleotide variant.
Coding change: c.333G>A on transcript NM_021098.3 (MANE Select); coding-DNA position 333, G replaced by A.
Protein change: p.Met111Ile; replaces methionine 111 with isoleucine.
Molecular consequence: missense variant.
Genome position (GRCh38, 1-based): chr16:1,195,005, G>A. VCF-style: chr16-1195005-G-A. GRCh37 (hg19) VCF-style: chr16-1245005-G-A.
Other names: c.333G>A, p.Met111Ile (NM_001005407.2); short protein forms M111I.
Identifiers: ClinVar variation 2953554 (VCV002953554.3), dbSNP rs2548602321, ClinGen allele CA394152094.
Genomic context (GRCh38, chr16:1,195,005, plus strand): 5'-GGTGTGCTCCTTAACCCGCGGCGACACATGGTTCGAGCACGTGAGCATGCTGGTAATCAT[G>A]CTCAACTGCGTGACCCTGGGCATGTTCCGGCCCTGTGAGGACGTTGAGTGCGGCTCCGAG-3'
Protein context (NP_066921.2, residues 101-121): WFEHVSMLVI[Met111Ile]LNCVTLGMFR

ClinVar aggregate classification (germline): Uncertain significance (1 of 4 stars; one submission).

Conditions:
Idiopathic generalized epilepsy. Also called: EIG; Generalised epilepsy. Identifiers: MedGen C0270850, MONDO:0005579, OMIM 600669.
Hyperaldosteronism, familial, type IV (HALD4). Also called: FH IV; ALDOSTERONISM, PRIMARY, AND HYPERTENSION. Identifiers: Orphanet 642671, MedGen C4310756, MONDO:0014875, OMIM 617027.

Allele frequency attached by ClinVar (database versions not stated): gnomAD exomes below 0.00001.

Submission:

Labcorp Genetics (formerly Invitae), Labcorp
Classification: Uncertain significance for Idiopathic generalized epilepsy; Hyperaldosteronism, familial, type IV. Last evaluated: 2024-10-15. Review status: criteria provided, single submitter. Criteria: Invitae Variant Classification Sherloc (09022015). Collection method: clinical testing. Allele origin: germline.
Comment: This sequence change replaces methionine, which is neutral and non-polar, with isoleucine, which is neutral and non-polar, at codon 111 of the CACNA1H protein (p.Met111Ile). This variant is not present in population databases (gnomAD no frequency). This variant has not been reported in the literature in individuals affected with CACNA1H-related conditions. Invitae Evidence Modeling of protein sequence and biophysical properties (such as structural, functional, and spatial information, amino acid conservation, physicochemical variation, residue mobility, and thermodynamic stability) indicates that this missense variant is not expected to disrupt CACNA1H protein function with a negative predictive value of 80%. In summary, the available evidence is currently insufficient to determine the role of this variant in disease. Therefore, it has been classified as a Variant of Uncertain Significance.